The following is an entry in ClinVar:

ClinVar aggregate classification (germline): Likely benign (0 of 4 stars; one submission).

Conditions:
C11orf65-related disorder. Also called: C11orf65-related condition.

gnomAD v4.1: 1 of 1,612,316 alleles (0.000062%); no homozygotes.

Submission:

PreventionGenetics, part of Exact Sciences
Classification: Likely benign for C11orf65-related condition. Last evaluated: 2024-09-27. Review status: no assertion criteria provided. Collection method: clinical testing. Allele origin: germline.
Comment: This variant is classified as likely benign based on ACMG/AMP sequence variant interpretation guidelines (Richards et al. 2015 PMID: 25741868, with internal and published modifications).

NM_001330368.2(C11orf65):c.641-12222C>A

Genes: ATM (ATM serine/threonine kinase; plus strand), C11orf65 (chromosome 11 open reading frame 65; minus strand). Cytogenetic location: 11q22.3.
Variant type: single nucleotide variant.
Coding change: c.641-12222C>A on transcript NM_001330368.2; 12222 bases into the intron before coding-DNA position 641, C replaced by A.
Molecular consequence: intron variant.
Genome position (GRCh38, 1-based): chr11:108,321,293, G>T on the plus strand (C>A on the coding strand, the complement: C11orf65 is on the minus strand). VCF-style: chr11-108321293-G-T. GRCh37 (hg19) VCF-style: chr11-108192020-G-T.
Other names: c.6453-8G>T (NM_001351834.2, NM_000051.4); c.*39-12222C>A (NM_001351110.2).
Identifiers: ClinVar variation 3353840 (VCV003353840.1).